The following is an entry in ClinVar:

ClinVar aggregate classification (germline): Uncertain significance (1 of 4 stars; one submission).

Submission:

Labcorp Genetics (formerly Invitae), Labcorp
Classification: Uncertain significance. Last evaluated: 2024-07-15. Review status: criteria provided, single submitter. Criteria: Invitae Variant Classification Sherloc (09022015). Collection method: clinical testing. Allele origin: germline.
Comment: This sequence change creates a premature translational stop signal (p.Glu591Lysfs*7) in the GEN1 gene. While this is not anticipated to result in nonsense mediated decay, it is expected to disrupt the last 318 amino acid(s) of the GEN1 protein. This variant is not present in population databases (gnomAD no frequency). This variant has not been reported in the literature in individuals affected with GEN1-related conditions. In summary, the available evidence is currently insufficient to determine the role of this variant in disease. Therefore, it has been classified as a Variant of Uncertain Significance.

NM_001130009.3(GEN1):c.1770_1771insAAAG (p.Glu591fs)

Gene: GEN1 (GEN1 structure-specific endonuclease; plus strand). Cytogenetic location: 2p24.2.
Variant type: Insertion.
Coding change: c.1770_1771insAAAG on transcript NM_001130009.3 (MANE Select); coding-DNA positions 1770 to 1771, AAAG inserted.
Protein change: p.Glu591fs; shifts the reading frame from glutamic acid 591.
Molecular consequence: frameshift variant.
Genome position: GRCh38 VCF-style: chr2-17780981-G-GGAAA. GRCh37 (hg19) VCF-style: chr2-17962248-G-GGAAA.
Other names: c.1770_1771insAAAG, p.Glu591fs (NM_182625.5); short protein forms E591fs.
Identifiers: ClinVar variation 2815082 (VCV002815082.3), dbSNP rs2545628195, ClinGen allele CA2739274148.